The following is an entry in ClinVar:

NM_006261.5(PROP1):c.*354G>A

Gene: PROP1 (PROP paired-like homeobox 1; minus strand). Cytogenetic location: 5q35.3.
Variant type: single nucleotide variant.
Coding change: c.*354G>A on transcript NM_006261.5 (MANE Select); 354 bases downstream of the stop codon, G replaced by A.
Molecular consequence: 3 prime UTR variant.
Genome position (GRCh38, 1-based): chr5:177,992,355, C>T on the plus strand (G>A on the coding strand, the complement: PROP1 is on the minus strand). VCF-style: chr5-177992355-C-T. GRCh37 (hg19) VCF-style: chr5-177419356-C-T.
Identifiers: ClinVar variation 353009 (VCV000353009.5), dbSNP rs4604209, ClinGen allele CA10621436.

ClinVar aggregate classification (germline): Benign (1 of 4 stars; one submission).

Conditions:
Pituitary hormone deficiency, combined, 2. Also called: PROP1-Related Combined Pituitary Hormone Deficiency; ATELIOTIC DWARFISM WITH HYPOGONADISM; HANHART DWARFISM; PITUITARY DWARFISM III. Identifiers: MedGen C0878683, MONDO:0009878, OMIM 262600.

Allele frequency attached by ClinVar (database versions not stated): 1000 Genomes Project 30x 0.22533; 1000 Genomes Project 0.22664; TOPMed 0.23277; gnomAD exomes 0.23698; gnomAD 0.24619 and 0.24860.
gnomAD v4.1: 66,790 of 276,194 alleles (24%); highest among the groups gnomAD compares: East Asian, 29%; 8,819 homozygotes.

Submission:

Illumina Laboratory Services, Illumina
Classification: Benign for Pituitary hormone deficiency, combined, 2. Last evaluated: 2018-01-12. Review status: criteria provided, single submitter. Criteria: ICSL Variant Classification Criteria 13 December 2019. Collection method: clinical testing. Allele origin: germline.
Comment: This variant was observed in the ICSL laboratory as part of a predisposition screen in an ostensibly healthy population. It had not been previously curated by ICSL or reported in the Human Gene Mutation Database (HGMD: prior to June 1st, 2018), and was therefore a candidate for classification through an automated scoring system. Utilizing variant allele frequency, disease prevalence and penetrance estimates, and inheritance mode, an automated score was calculated to assess if this variant is too frequent to cause the disease. Based on the score and internal cut-off values, a variant classified as benign is not then subjected to further curation. The score for this variant resulted in a classification of benign for this disease.